The following is an entry in ClinVar:

NM_025099.6(CTC1):c.745C>T (p.Leu249Phe)

Gene: CTC1 (CST telomere replication complex component 1; minus strand). Cytogenetic location: 17p13.1.
Variant type: single nucleotide variant.
Coding change: c.745C>T on transcript NM_025099.6 (MANE Select); coding-DNA position 745, C replaced by T.
Protein change: p.Leu249Phe; replaces leucine 249 with phenylalanine.
Molecular consequence: missense variant.
Genome position (GRCh38, 1-based): chr17:8,237,422, G>A on the plus strand (C>T on the coding strand, the complement: CTC1 is on the minus strand). VCF-style: chr17-8237422-G-A. GRCh37 (hg19) VCF-style: chr17-8140740-G-A.
Other names: short protein forms L249F.
Identifiers: ClinVar variation 964997 (VCV000964997.10), dbSNP rs1987824590, ClinGen allele CA397991344.

ClinVar aggregate classification (germline): Uncertain significance (1 of 4 stars; one submission).

Conditions:
Dyskeratosis congenita. Identifiers: Orphanet 1775, MedGen C0265965, MONDO:0015780.

gnomAD v4.1: 1 of 1,614,016 alleles (0.000062%); highest among the groups gnomAD compares: Non-Finnish European, 0.000085%; no homozygotes.

Submission:

Labcorp Genetics (formerly Invitae), Labcorp
Classification: Uncertain significance for Dyskeratosis congenita. Last evaluated: 2022-05-19. Review status: criteria provided, single submitter. Criteria: Invitae Variant Classification Sherloc (09022015). Collection method: clinical testing. Allele origin: germline.
Comment: This sequence change replaces leucine, which is neutral and non-polar, with phenylalanine, which is neutral and non-polar, at codon 249 of the CTC1 protein (p.Leu249Phe). In summary, the available evidence is currently insufficient to determine the role of this variant in disease. Therefore, it has been classified as a Variant of Uncertain Significance. Algorithms developed to predict the effect of missense changes on protein structure and function are either unavailable or do not agree on the potential impact of this missense change (SIFT: "Deleterious"; PolyPhen-2: "Probably Damaging"; Align-GVGD: "Class C0"). ClinVar contains an entry for this variant (Variation ID: 964997). This variant has not been reported in the literature in individuals affected with CTC1-related conditions. This variant is not present in population databases (gnomAD no frequency).